The following is an entry in ClinVar:

ClinVar aggregate classification (germline): Pathogenic (1 of 4 stars; one submission).

Submission:

ISCA site 15
Classification: Pathogenic. Last evaluated: 2011-08-12. Review status: criteria provided, single submitter. Criteria: Kaminsky et al. (Genet Med. 2011). Collection method: clinical testing. Allele origin: unknown. Affected: yes. Observed: 1 variant allele.
Comment: Copy number variation identified through the course of routine clinical cytogenomic testing in postnatal populations. Clinical assertions have been curated as described in Kaminsky et al. 2011.

GRCh38/hg38 19p13.3(chr19:3554635-4690965)x1

Genes: ANKRD24 (ankyrin repeat domain 24; plus strand), APBA3 (amyloid beta precursor protein binding family A member 3; minus strand), ATCAY (ATCAY kinesin light chain interacting caytaxin; plus strand), CACTIN (cactin, spliceosome C complex subunit; minus strand), CACTIN-AS1 (CACTIN antisense RNA 1; plus strand) and 139 more. Cytogenetic location: 19p13.3.
Variant type: copy number loss.
Change: copy number 1 (one copy instead of two) of chr19:3,554,635-4,690,965 (1.14 Mb, GRCh38 coordinates, 1-based), cytogenetic band 19p13.3.
Identifiers: ClinVar variation 60071 (VCV000060071.1).